The following is an entry in ClinVar:

NM_002778.4(PSAP):c.249+6C>T

Gene: PSAP (prosaposin; minus strand). Cytogenetic location: 10q22.1.
Variant type: single nucleotide variant.
Coding change: c.249+6C>T on transcript NM_002778.4 (MANE Select); 6 bases into the intron after coding-DNA position 249, C replaced by T.
Molecular consequence: intron variant.
Genome position (GRCh38, 1-based): chr10:71,831,840, G>A on the plus strand (C>T on the coding strand, the complement: PSAP is on the minus strand). VCF-style: chr10-71831840-G-A. GRCh37 (hg19) VCF-style: chr10-73591597-G-A.
Other names: p.?; c.249+6C>T (NM_001042466.3, NM_001042465.3).
Identifiers: ClinVar variation 878088 (VCV000878088.9), dbSNP rs774663731, ClinGen allele CA5547838.
Genomic context (GRCh38, chr10:71,831,840, plus strand): 5'-CAGCTCTCTTAGGAACCAGTGCACGTGCCCGTGGCTCAAGCACCATCCCCACTCACCGCC[G>A]CTCACCTCAGTGGCATTGTCCTTCAGCATATCACCAGCTGCGGTGACAACGTCTTTGCAT-3'

ClinVar aggregate classification (germline): Conflicting classifications of pathogenicity. Review status: criteria provided, conflicting classifications (1 of 4 stars). 7 submissions from 4 submitters: Uncertain significance (6); Likely benign (1). Last evaluated 2024-07-23.

Conditions:
Inborn genetic diseases. Identifiers: MedGen C0950123, MeSH D030342.
Sphingolipid activator protein 1 deficiency. Also called: Metachromatic leukodystrophy due to saposin B deficiency; Saposin B Deficiency; METACHROMATIC LEUKODYSTROPHY DUE TO CEREBROSIDE SULFATASE ACTIVATOR DEFICIENCY. Identifiers: Orphanet 512, MedGen C0268262, MONDO:0009590, OMIM 249900.
Krabbe disease due to saposin A deficiency. Also called: Saposin A Deficiency; KRABBE DISEASE, ATYPICAL, DUE TO SAPOSIN A DEFICIENCY. Identifiers: Orphanet 487, MedGen C2673266, MONDO:0012720, OMIM 611722.
Combined PSAP deficiency (PSAPD). Also called: COMBINED SAP DEFICIENCY; PROSAPOSIN DEFICIENCY; Encephalopathy due to prosaposin deficiency. Identifiers: Orphanet 139406, MedGen C2673635, MONDO:0012719, OMIM 611721.
Gaucher disease due to saposin C deficiency. Also called: Atypical Gaucher disease due to saposin C deficiency; Saposin C Deficiency. Identifiers: Orphanet 309252, Orphanet 355, MedGen C1864651, MONDO:0012517, OMIM 610539.

Allele frequency attached by ClinVar (database versions not stated): gnomAD exomes 0.00002 and 0.00004; ExAC 0.00004; gnomAD 0.00006; TOPMed 0.00006.
gnomAD v4.1: 41 of 1,613,520 alleles (0.0025%); highest among the groups gnomAD compares: East Asian, 0.053%; no homozygotes.

Submissions (7):

Mayo Clinic Laboratories, Mayo Clinic
Classification: Uncertain significance. Last evaluated: 2024-07-23. Review status: criteria provided, single submitter. Criteria: ACMG Guidelines, 2015. Collection method: clinical testing. Allele origin: germline. Observed: 1 variant allele.

Labcorp Genetics (formerly Invitae), Labcorp
Classification: Uncertain significance for Sphingolipid activator protein 1 deficiency. Last evaluated: 2024-04-29. Review status: criteria provided, single submitter. Criteria: Invitae Variant Classification Sherloc (09022015). Collection method: clinical testing. Allele origin: germline.
Comment: This sequence change falls in intron 3 of the PSAP gene. It does not directly change the encoded amino acid sequence of the PSAP protein. It affects a nucleotide within the consensus splice site. This variant is present in population databases (rs774663731, gnomAD 0.06%). This variant has not been reported in the literature in individuals affected with PSAP-related conditions. ClinVar contains an entry for this variant (Variation ID: 878088). Variants that disrupt the consensus splice site are a relatively common cause of aberrant splicing (PMID: 17576681, 9536098). Algorithms developed to predict the effect of sequence changes on RNA splicing suggest that this variant is not likely to affect RNA splicing. In summary, the available evidence is currently insufficient to determine the role of this variant in disease. Therefore, it has been classified as a Variant of Uncertain Significance.

Ambry Genetics
Classification: Uncertain significance for Inborn genetic diseases. Last evaluated: 2022-08-19. Review status: criteria provided, single submitter. Criteria: Ambry Variant Classification Scheme 2023. Collection method: clinical testing. Allele origin: germline.
Comment: The c.249+6C>T intronic alteration consists of a C to T substitution nucleotides after coding exon 3 in the PSAP gene. Based on insufficient or conflicting evidence, the clinical significance of this alteration remains unclear.

Illumina Laboratory Services, Illumina
Classification: Uncertain significance for Sphingolipid activator protein 1 deficiency. Last evaluated: 2018-01-13. Review status: criteria provided, single submitter. Criteria: ICSL Variant Classification Criteria 13 December 2019. Collection method: clinical testing. Allele origin: germline.

Illumina Laboratory Services, Illumina
Classification: Likely benign for Gaucher disease due to saposin C deficiency. Last evaluated: 2018-01-13. Review status: criteria provided, single submitter. Criteria: ICSL Variant Classification Criteria 13 December 2019. Collection method: clinical testing. Allele origin: germline.
Comment: This variant was observed in the ICSL laboratory as part of a predisposition screen in an ostensibly healthy population. It had not been previously curated by ICSL or reported in the Human Gene Mutation Database (HGMD: prior to June 1st, 2018), and was therefore a candidate for classification through an automated scoring system. Utilizing variant allele frequency, disease prevalence and penetrance estimates, and inheritance mode, an automated score was calculated to assess if this variant is too frequent to cause the disease. Based on the score and internal cut-off values, a variant classified as likely benign is not then subjected to further curation. The score for this variant resulted in a classification of likely benign for this disease.

Illumina Laboratory Services, Illumina
Classification: Uncertain significance for Krabbe disease due to saposin A deficiency. Last evaluated: 2018-01-13. Review status: criteria provided, single submitter. Criteria: ICSL Variant Classification Criteria 13 December 2019. Collection method: clinical testing. Allele origin: germline.

Illumina Laboratory Services, Illumina
Classification: Uncertain significance for Combined PSAP deficiency. Last evaluated: 2018-01-13. Review status: criteria provided, single submitter. Criteria: ICSL Variant Classification Criteria 13 December 2019. Collection method: clinical testing. Allele origin: germline.

Literature cited by the submitters: PubMed 17576681 (cited by Labcorp Genetics (formerly Invitae), Labcorp); PubMed 9536098 (cited by Labcorp Genetics (formerly Invitae), Labcorp).